The following is an entry in ClinVar:

NM_000048.4(ASL):c.176A>T (p.Glu59Val)

Gene: ASL (argininosuccinate lyase; plus strand). Cytogenetic location: 7q11.21.
Variant type: single nucleotide variant.
Coding change: c.176A>T on transcript NM_000048.4 (MANE Select); coding-DNA position 176, A replaced by T.
Protein change: p.Glu59Val; replaces glutamic acid 59 with valine.
Molecular consequence: missense variant.
Genome position (GRCh38, 1-based): chr7:66,081,966, A>T. VCF-style: chr7-66081966-A-T. GRCh37 (hg19) VCF-style: chr7-65546953-A-T.
Other names: c.176A>T, p.Glu59Val (NM_001024943.2, NM_001024944.2, NM_001024946.2); short protein forms E59V.
Identifiers: ClinVar variation 2771347 (VCV002771347.3), dbSNP rs2484994019, ClinGen allele CA367638392.
Genomic context (GRCh38, chr7:66,081,966, plus strand): 5'-TTCAAGGCAGCAAAGCCTACAGCAGGGGCCTGGAGAAGGCAGGGCTCCTCACCAAGGCCG[A>T]GATGGACCAGATACTCCATGGCCTAGACAAGGTACTTGCCGTGGCCCAAGCCCCACCCAA-3'
Protein context (NP_000039.2, residues 49-69): LEKAGLLTKA[Glu59Val]MDQILHGLDK

ClinVar aggregate classification (germline): Likely pathogenic (1 of 4 stars; one submission).

Conditions:
Argininosuccinate lyase deficiency. Also called: ARGININOSUCCINIC ACID LYASE DEFICIENCY; ASL DEFICIENCY; Argininosuccinic aciduria. Identifiers: Orphanet 23, MedGen C0268547, MONDO:0008815, OMIM 207900, HP:0025630.

Allele frequency attached by ClinVar (database versions not stated): gnomAD exomes below 0.00001.
gnomAD v4.1: 1 of 1,612,216 alleles (0.000062%); highest among the groups gnomAD compares: Non-Finnish European, 0.000085%; no homozygotes.

Submission:

Labcorp Genetics (formerly Invitae), Labcorp
Classification: Likely pathogenic for Argininosuccinate lyase deficiency. Last evaluated: 2023-10-23. Review status: criteria provided, single submitter. Criteria: Invitae Variant Classification Sherloc (09022015). Collection method: clinical testing. Allele origin: germline.
Comment: This sequence change replaces glutamic acid, which is acidic and polar, with valine, which is neutral and non-polar, at codon 59 of the ASL protein (p.Glu59Val). This variant is not present in population databases (gnomAD no frequency). This variant has not been reported in the literature in individuals affected with ASL-related conditions. Advanced modeling of protein sequence and biophysical properties (such as structural, functional, and spatial information, amino acid conservation, physicochemical variation, residue mobility, and thermodynamic stability) performed at Invitae indicates that this missense variant is expected to disrupt ASL protein function. This variant disrupts the p.Glu59 amino acid residue in ASL. Other variant(s) that disrupt this residue have been determined to be pathogenic (PMID: 12384776; Invitae). This suggests that this residue is clinically significant, and that variants that disrupt this residue are likely to be disease-causing. In summary, the currently available evidence indicates that the variant is pathogenic, but additional data are needed to prove that conclusively. Therefore, this variant has been classified as Likely Pathogenic.

Literature cited by the submitters: PubMed 12384776.